The following is an entry in ClinVar:

NM_021830.5(TWNK):c.1121G>T (p.Arg374Leu)

Gene: TWNK (twinkle mtDNA helicase; plus strand). Cytogenetic location: 10q24.31.
Variant type: single nucleotide variant.
Coding change: c.1121G>T on transcript NM_021830.5 (MANE Select); coding-DNA position 1121, G replaced by T.
Protein change: p.Arg374Leu; replaces arginine 374 with leucine.
Molecular consequence: missense variant. On other transcripts: non-coding transcript variant (4), intron variant (3).
Genome position (GRCh38, 1-based): chr10:100,989,331, G>T. VCF-style: chr10-100989331-G-T. GRCh37 (hg19) VCF-style: chr10-102749088-G-T.
Other names: c.1121G>T, p.Arg374Leu (NM_001163812.2); c.-119-313G>T (NM_001163814.2, NM_001163813.2); c.-57-375G>T (NM_001368275.1); short protein forms R374L.
Identifiers: ClinVar variation 4292632 (VCV004292632.1).
Genomic context (GRCh38, chr10:100,989,331, plus strand): 5'-GTATTCTTCGTACCGCCCTGCCTGCCTGGCACAAGTCCATCGTATCTTTCCGGCAGCTTC[G>T]GGAGGAGGTGCTAGGAGAACTGTCAAATGTGGAGCAAGCAGCTGGCCTCCGCTGGAGCCG-3'
Protein context (NP_068602.2, residues 364-384): HKSIVSFRQL[Arg374Leu]EEVLGELSNV

ClinVar aggregate classification (germline): Likely pathogenic (1 of 4 stars; one submission).

Conditions:
Progressive external ophthalmoplegia with mitochondrial DNA deletions, autosomal dominant 3. Also called: PROGRESSIVE EXTERNAL OPHTHALMOPLEGIA, AUTOSOMAL DOMINANT 3. Identifiers: MedGen C1836439, MONDO:0012241, OMIM 609286.

Submission:

3billion
Classification: Likely pathogenic for Progressive external ophthalmoplegia with mitochondrial DNA deletions, autosomal dominant 3. Last evaluated: 2024-10-01. Review status: criteria provided, single submitter. Criteria: ACMG Guidelines, 2015. Collection method: clinical testing. Allele origin: germline. Affected: yes.
Comment: The variant is not observed in the gnomAD v4.1.0 dataset. Predicted Consequence/Location: The variant is located in a mutational hot spot and/or well-established functional domain in which established pathogenic variants have been reported (PMID: 32283748, 20880070, 20479361). In silico tool predictions suggest damaging effect of the variant on gene or gene product [REVEL: 0.83 (>=0.6, sensitivity 0.68 and specificity 0.92); 3Cnet: 0.99 (>=0.6, sensitivity 0.72 and precision 0.9)]. Different missense changes at the same codon (p.Arg374Gln, p.Arg374Trp) have been reported as pathogenic/likely pathogenic (ClinVar ID: VCV000004629, VCV000426106 /PMID: 11431692). Therefore, this variant is classified as Likely pathogenic according to the recommendation of ACMG/AMP guideline.

Literature cited by the submitters: PubMed 11431692.